The following is an entry in ClinVar:

ClinVar aggregate classification (germline): Uncertain significance (1 of 4 stars; one submission).

Allele frequency attached by ClinVar (database versions not stated): gnomAD 0.00001; gnomAD exomes 0.00001; TOPMed 0.00001; ExAC 0.00002; ESP Exome Variant Server 0.00008.
gnomAD v4.1: 11 of 1,614,064 alleles (0.00068%); highest among the groups gnomAD compares: Non-Finnish European, 0.00085%; no homozygotes.

Submission:

Labcorp Genetics (formerly Invitae), Labcorp
Classification: Uncertain significance. Last evaluated: 2022-09-27. Review status: criteria provided, single submitter. Criteria: Invitae Variant Classification Sherloc (09022015). Collection method: clinical testing. Allele origin: germline.
Comment: Advanced modeling of protein sequence and biophysical properties (such as structural, functional, and spatial information, amino acid conservation, physicochemical variation, residue mobility, and thermodynamic stability) performed at Invitae indicates that this missense variant is not expected to disrupt SCN3A protein function. In summary, the available evidence is currently insufficient to determine the role of this variant in disease. Therefore, it has been classified as a Variant of Uncertain Significance. ClinVar contains an entry for this variant (Variation ID: 1056798). This variant has not been reported in the literature in individuals affected with SCN3A-related conditions. This variant is present in population databases (rs148308241, gnomAD 0.003%). This sequence change replaces cysteine, which is neutral and slightly polar, with arginine, which is basic and polar, at codon 1048 of the SCN3A protein (p.Cys1048Arg).

NM_006922.4(SCN3A):c.3142T>C (p.Cys1048Arg)

Gene: SCN3A (sodium voltage-gated channel alpha subunit 3; minus strand). Cytogenetic location: 2q24.3.
Variant type: single nucleotide variant.
Coding change: c.3142T>C on transcript NM_006922.4 (MANE Select); coding-DNA position 3142, T replaced by C.
Protein change: p.Cys1048Arg; replaces cysteine 1048 with arginine.
Molecular consequence: missense variant.
Genome position (GRCh38, 1-based): chr2:165,127,882, A>G on the plus strand (T>C on the coding strand, the complement: SCN3A is on the minus strand). VCF-style: chr2-165127882-A-G. GRCh37 (hg19) VCF-style: chr2-165984392-A-G.
Other names: c.2995T>C, p.Cys999Arg (NM_001081676.2, NM_001081677.2); short protein forms C1048R, C999R.
Identifiers: ClinVar variation 1056798 (VCV001056798.8), dbSNP rs148308241, ClinGen allele CA1938846.